The following is an entry in ClinVar:

NM_000077.5(CDKN2A):c.80A>G (p.Glu27Gly)

Gene: CDKN2A (cyclin dependent kinase inhibitor 2A; minus strand). Cytogenetic location: 9p21.3.
Variant type: single nucleotide variant.
Coding change: c.80A>G on transcript NM_000077.5; coding-DNA position 80, A replaced by G.
Protein change: p.Glu27Gly; replaces glutamic acid 27 with glycine.
Molecular consequence: missense variant (on NM_000077.6). On other transcripts: intron variant (2).
Genome position (GRCh38, 1-based): chr9:21,974,748, T>C on the plus strand (A>G on the coding strand, the complement: CDKN2A is on the minus strand). VCF-style: chr9-21974748-T-C. GRCh37 (hg19) VCF-style: chr9-21974747-T-C.
Other names: c.80A>G, p.Glu27Gly (NM_000077.6, NM_001195132.2, NM_058197.5); c.-3-3540A>G (NM_001363763.2); c.194-3540A>G (NM_058195.4); short protein forms E27G.
Identifiers: ClinVar variation 483333 (VCV000483333.14), dbSNP rs1554656403, ClinGen allele CA373086597.
Genomic context (GRCh38, chr9:21,974,748, plus strand): 5'-CTCCGACCGTAACTATTCGGTGCGTTGGGCAGCGCCCCCGCCTCCAGCAGCGCCCGCACC[T>C]CCTCTACCCGACCCCGGGCCGCGGCCGTGGCCAGCCAGTCAGCCGAAGGCTCCATGCTGC-3'
Protein context (NP_000068.1, residues 17-37): ATAAARGRVE[Glu27Gly]VRALLEAGAL

ClinVar aggregate classification (germline): Uncertain significance. Review status: criteria provided, multiple submitters, no conflicts (2 of 4 stars). 2 submissions from 2 submitters: Uncertain significance (2). Last evaluated 2025-07-28.

Conditions:
Familial melanoma. Also called: Hereditary melanoma; Hereditary cutaneous melanoma. Identifiers: Orphanet 618, MedGen C1512419, MONDO:0018961.
Hereditary cancer-predisposing syndrome. Also called: Tumor predisposition; Hereditary Cancer Syndrome; Neoplastic Syndromes, Hereditary; Hereditary neoplastic syndrome. Identifiers: Orphanet 140162, MedGen C0027672, MeSH D009386, MONDO:0015356.

Submissions (2):

Ambry Genetics
Classification: Uncertain significance for Hereditary cancer-predisposing syndrome. Last evaluated: 2025-07-28. Review status: criteria provided, single submitter. Criteria: Ambry Variant Classification Scheme 2023. Collection method: clinical testing. Allele origin: germline.
Comment: The p.E27G variant (also known as c.80A>G), located in coding exon 1 of the CDKN2A gene, results from an A to G substitution at nucleotide position 80. The glutamic acid at codon 27 is replaced by glycine, an amino acid with similar properties. This amino acid position is not well conserved in available vertebrate species. In addition, this alteration is predicted to be tolerated by in silico analysis. Based on the available evidence, the clinical significance of this variant remains unclear.

Labcorp Genetics (formerly Invitae), Labcorp
Classification: Uncertain significance for Familial melanoma. Last evaluated: 2024-06-12. Review status: criteria provided, single submitter. Criteria: Invitae Variant Classification Sherloc (09022015). Collection method: clinical testing. Allele origin: germline.
Comment: This sequence change replaces glutamic acid, which is acidic and polar, with glycine, which is neutral and non-polar, at codon 27 of the CDKN2A (p16INK4a) protein (p.Glu27Gly). This variant is not present in population databases (gnomAD no frequency). This variant has not been reported in the literature in individuals affected with CDKN2A (p16INK4a)-related conditions. ClinVar contains an entry for this variant (Variation ID: 483333). An algorithm developed to predict the effect of missense changes on protein structure and function (PolyPhen-2) suggests that this variant is likely to be disruptive. Experimental studies have shown that this missense change affects CDKN2A (p16INK4a) function (PMID: 8573142). In summary, the available evidence is currently insufficient to determine the role of this variant in disease. Therefore, it has been classified as a Variant of Uncertain Significance.

Literature cited by the submitters: PubMed 8573142 (cited by Labcorp Genetics (formerly Invitae), Labcorp).